The following is an entry in ClinVar:

NM_201384.3(PLEC):c.7792C>T (p.Leu2598=)

Gene: PLEC (plectin; minus strand). Cytogenetic location: 8q24.3.
Variant type: single nucleotide variant.
Coding change: c.7792C>T on transcript NM_201384.3 (MANE Select); coding-DNA position 7792, C replaced by T.
Protein change: p.Leu2598=; no amino-acid change (leucine 2598 retained).
Molecular consequence: synonymous variant.
Genome position (GRCh38, 1-based): chr8:143,922,029, G>A on the plus strand (C>T on the coding strand, the complement: PLEC is on the minus strand). VCF-style: chr8-143922029-G-A. GRCh37 (hg19) VCF-style: chr8-144996197-G-A.
Other names: c.7873C>T, p.Leu2625= (NM_000445.5); c.7750C>T, p.Leu2584= (NM_201378.4); c.7726C>T, p.Leu2576= (NM_201379.3); c.8203C>T, p.Leu2735= (NM_201380.4); c.7696C>T, p.Leu2566= (NM_201381.3); c.7792C>T, p.Leu2598= (NM_201382.4); c.7804C>T, p.Leu2602= (NM_201383.3).
Identifiers: ClinVar variation 706728 (VCV000706728.11), dbSNP rs560030098, ClinGen allele CA4925519.

ClinVar aggregate classification (germline): Likely benign. Review status: criteria provided, multiple submitters, no conflicts (2 of 4 stars). 2 submissions from 2 submitters: Likely benign (2). Last evaluated 2026-03-05.

Conditions:
PLEC-related disorder. Also called: PLEC-related disorders; PLEC-related condition.
Epidermolysis bullosa simplex with nail dystrophy (EBS5D). Identifiers: MedGen C4225309, MONDO:0014661, OMIM 616487.
Epidermolysis bullosa simplex 5B, with muscular dystrophy (EBS5B). Also called: Epidermolysis bullosa simplex with muscular dystrophy; EPIDERMOLYSIS BULLOSA SIMPLEX AND LIMB-GIRDLE MUSCULAR DYSTROPHY. Identifiers: Orphanet 257, MedGen C2931072, MONDO:0009181, OMIM 226670.
Autosomal recessive limb-girdle muscular dystrophy type 2Q (LGMDR17). Also called: MUSCULAR DYSTROPHY, LIMB-GIRDLE, AUTOSOMAL RECESSIVE 17. Identifiers: Orphanet 254361, MedGen C3150989, MONDO:0013390, OMIM 613723.
Epidermolysis bullosa simplex 5C, with pyloric atresia (EBS5C). Also called: PLEC-Related Epidermolysis Bullosa with Pyloric Atresia; Epidermolysis bullosa simplex with pyloric atresia; PLEC1-Related Epidermolysis Bullosa with Pyloric Atresia. Identifiers: Orphanet 158684, MedGen C2677349, MONDO:0012807, OMIM 612138.
Epidermolysis bullosa simplex, Ogna type (EBS5A). Also called: Pidermolysis bullosa simplex 5A, Ogna type; EPIDERMOLYSIS BULLOSA SIMPLEX 5A, OGNA TYPE. Identifiers: Orphanet 79401, MedGen C0432317, MONDO:0007555, OMIM 131950.

Allele frequency attached by ClinVar (database versions not stated): gnomAD exomes below 0.00001 and 0.00003; ExAC 0.00005; gnomAD 0.00007; TOPMed 0.00008; 1000 Genomes Project 30x 0.00016; 1000 Genomes Project 0.00020.
gnomAD v4.1: 16 of 1,596,798 alleles (0.001%); highest among the groups gnomAD compares: African/African-American, 0.019%; no homozygotes.

Submissions (2):

PreventionGenetics, part of Exact Sciences
Classification: Likely benign for PLEC-related condition. Last evaluated: 2026-03-05. Review status: criteria provided, single submitter. Criteria: ACMG Guidelines, 2015. Collection method: clinical testing. Allele origin: germline.
Comment: This variant is classified as likely benign based on ACMG/AMP sequence variant interpretation guidelines (Richards et al. 2015 PMID: 25741868, with internal and published modifications).

Labcorp Genetics (formerly Invitae), Labcorp
Classification: Likely benign for Autosomal recessive limb-girdle muscular dystrophy type 2Q; Epidermolysis bullosa simplex, Ogna type; Epidermolysis bullosa simplex with nail dystrophy; Epidermolysis bullosa simplex 5C, with pyloric atresia; Epidermolysis bullosa simplex 5B, with muscular dystrophy. Last evaluated: 2024-02-05. Review status: criteria provided, single submitter. Criteria: Invitae Variant Classification Sherloc (09022015). Collection method: clinical testing. Allele origin: germline.